The following is an entry in ClinVar:

NM_018723.4(RBFOX1):c.823C>T (p.Arg275Cys)

Gene: RBFOX1 (RNA binding fox-1 homolog 1; plus strand). Cytogenetic location: 16p13.3.
Variant type: single nucleotide variant.
Coding change: c.823C>T on transcript NM_018723.4 (MANE Select); coding-DNA position 823, C replaced by T.
Protein change: p.Arg275Cys; replaces arginine 275 with cysteine.
Molecular consequence: missense variant.
Genome position (GRCh38, 1-based): chr16:7,653,880, C>T. VCF-style: chr16-7653880-C-T. GRCh37 (hg19) VCF-style: chr16-7703882-C-T.
Other names: c.883C>T, p.Arg295Cys (NM_001415904.1, NM_001415896.1, NM_145891.3 and 2 more transcripts); c.805C>T, p.Arg269Cys (NM_001415905.1); c.802C>T, p.Arg268Cys (NM_001415906.1, NM_001415915.1); c.871C>T, p.Arg291Cys (NM_001415907.1, NM_001415897.1); c.859C>T, p.Arg287Cys (NM_001415908.1); c.850C>T, p.Arg284Cys (NM_001415909.1, NM_001415900.1); c.838C>T, p.Arg280Cys (NM_001415910.1); c.829C>T, p.Arg277Cys (NM_001415911.1, NM_001415902.1); and 12 more; short protein forms R260C, R273C, R275C, R280C, R253C, R269C, R277C, R291C.
Identifiers: ClinVar variation 2704262 (VCV002704262.3), dbSNP rs768320837, ClinGen allele CA7891714.

ClinVar aggregate classification (germline): Uncertain significance (1 of 4 stars; one submission).

Conditions:
Idiopathic generalized epilepsy. Also called: Generalised epilepsy; EIG. Identifiers: MedGen C0270850, MONDO:0005579, OMIM 600669.

Allele frequency attached by ClinVar (database versions not stated): gnomAD exomes below 0.00001; ExAC 0.00001.
gnomAD v4.1: 4 of 1,602,242 alleles (0.00025%); highest among the groups gnomAD compares: Non-Finnish European, 0.00034%; no homozygotes.

Submission:

Labcorp Genetics (formerly Invitae), Labcorp
Classification: Uncertain significance for Idiopathic generalized epilepsy. Last evaluated: 2023-11-21. Review status: criteria provided, single submitter. Criteria: Invitae Variant Classification Sherloc (09022015). Collection method: clinical testing. Allele origin: germline.
Comment: This sequence change replaces arginine, which is basic and polar, with cysteine, which is neutral and slightly polar, at codon 295 of the RBFOX1 protein (p.Arg295Cys). The frequency data for this variant in the population databases is considered unreliable, as metrics indicate poor data quality at this position in the gnomAD database. This variant has not been reported in the literature in individuals affected with RBFOX1-related conditions. Advanced modeling of protein sequence and biophysical properties (such as structural, functional, and spatial information, amino acid conservation, physicochemical variation, residue mobility, and thermodynamic stability) has been performed at Invitae for this missense variant, however the output from this modeling did not meet the statistical confidence thresholds required to predict the impact of this variant on RBFOX1 protein function. In summary, the available evidence is currently insufficient to determine the role of this variant in disease. Therefore, it has been classified as a Variant of Uncertain Significance.